The following is an entry in ClinVar:

ClinVar aggregate classification (germline): Conflicting classifications of pathogenicity. Review status: criteria provided, conflicting classifications (1 of 4 stars). 6 submissions from 6 submitters: Likely pathogenic (1); Uncertain significance (5). Last evaluated 2026-04-01.

Conditions:
Hematuria, benign familial, 2 (BFH2). Identifiers: MedGen C5830421, MONDO:0958186, OMIM 620320.
Alport syndrome 3b, autosomal recessive. Identifiers: MedGen C5882699, MONDO:0957811, OMIM 620536.
Autosomal dominant Alport syndrome (ATS3A). Also called: ALPORT SYNDROME 3A, AUTOSOMAL DOMINANT; Alport syndrome dominant type; Renal failure and sensorineural hearing loss. Identifiers: Orphanet 63, Orphanet 88918, MedGen C5882663, MONDO:0007086, OMIM 104200.
Autosomal recessive Alport syndrome (ATS2). Also called: COL4A3-Related Nephropathy; COL4A4 Alport Syndrome and Thin Basement Membrane Nephropathy; Alport syndrome type 2; ALPORT SYNDROME 2, AUTOSOMAL RECESSIVE. Identifiers: Orphanet 63, Orphanet 88919, MedGen C4746745, MONDO:0008762, OMIM 203780.

Allele frequency attached by ClinVar (database versions not stated): gnomAD 0.00001; TOPMed 0.00001; gnomAD exomes 0.00005; ExAC 0.00005.
gnomAD v4.1: 38 of 1,613,966 alleles (0.0024%); highest among the groups gnomAD compares: South Asian, 0.027%; no homozygotes.

Submissions (6):

GeneDx
Classification: Uncertain significance. Last evaluated: 2026-04-01. Review status: criteria provided, single submitter. Criteria: GeneDx Variant Classification Process June 2021. Collection method: clinical testing. Allele origin: germline.
Comment: Reported in an individual with Bardet-Biedl syndrome who also harbored a homozygous deletion in the BBS2 gene in the literature (PMID: 36938085); In silico analysis supports that this missense variant has a deleterious effect on protein structure/function; This variant is associated with the following publications: (PMID: 33851121, 27627812, 24052634, 36938085)

Genetics laboratory, Institute of Kidney Diseases & Research Centre Dr. H.L. Trivedi Institute Of Transplantation Sciences
Classification: Uncertain significance for Autosomal dominant Alport syndrome. Last evaluated: 2026-03-16. Review status: criteria provided, single submitter. Criteria: ACMG Guidelines, 2015. Collection method: clinical testing. Allele origin: germline. Inheritance: Autosomal dominant inheritance. Affected: yes. Observed: 1 variant allele, 1 heterozygote.
Comment: The COL4A3 variant c.4783G>A (p.Gly1595Arg) is classified as a Variant of Uncertain Significance based on ACMG criteria. The variant results in substitution of a conserved glycine residue within the collagenous Gly-X-Y domain, a region critical for collagen IV triple helix formation. Although glycine substitutions are a known pathogenic mechanism in COL4A3-related disorders, current evidence is insufficient to establish pathogenicity.

Labcorp Genetics (formerly Invitae), Labcorp
Classification: Uncertain significance. Last evaluated: 2025-08-29. Review status: criteria provided, single submitter. Criteria: Invitae Variant Classification Sherloc (09022015). Collection method: clinical testing. Allele origin: germline.
Comment: This sequence change replaces glycine, which is neutral and non-polar, with arginine, which is basic and polar, at codon 1595 of the COL4A3 protein (p.Gly1595Arg). This variant is present in population databases (rs766208466, gnomAD 0.04%). This missense change has been observed in individual(s) with clinical features of Alport syndrome (PMID: 33851121, 36938085). ClinVar contains an entry for this variant (Variation ID: 623125). Invitae Evidence Modeling of protein sequence and biophysical properties (such as structural, functional, and spatial information, amino acid conservation, physicochemical variation, residue mobility, and thermodynamic stability) indicates that this missense variant is expected to disrupt COL4A3 protein function with a positive predictive value of 80%. In summary, the available evidence is currently insufficient to determine the role of this variant in disease. Therefore, it has been classified as a Variant of Uncertain Significance.

Fulgent Genetics
Classification: Uncertain significance for Autosomal dominant Alport syndrome; Hematuria, benign familial, 2; Alport syndrome 3b, autosomal recessive. Last evaluated: 2024-02-13. Review status: criteria provided, single submitter. Criteria: ACMG Guidelines, 2015. Collection method: clinical testing. Allele origin: germline.

Women's Health and Genetics/Laboratory Corporation of America, LabCorp
Classification: Uncertain significance. Last evaluated: 2023-02-17. Review status: criteria provided, single submitter. Criteria: LabCorp Variant Classification Summary - May 2015. Collection method: clinical testing. Allele origin: germline.
Comment: Variant summary: COL4A3 c.4783G>A (p.Gly1595Arg) results in a non-conservative amino acid change located in the Collagen IV, non-collagenous domain (IPR001442) of the encoded protein sequence. Five of five in-silico tools predict a damaging effect of the variant on protein function. The variant allele was found at a frequency of 4.8e-05 in 249450 control chromosomes (gnomAD). This frequency is not significantly higher than estimated for a pathogenic variant in COL4A3 causing Alport Syndrome, Autosomal Recessive (4.8e-05 vs 0.0019), allowing no conclusion about variant significance. c.4783G>A has been reported in the literature in an individual affected with segmental glomerulosclerosis (example: Shulman_2021). These report(s) do not provide unequivocal conclusions about association of the variant with Alport Syndrome, Autosomal Recessive. At least one publication reports experimental evidence evaluating an impact on protein function. These results showed no secretary defect of this variant (Shulman_2021). Two clinical diagnostic laboratories have submitted clinical-significance assessments for this variant to ClinVar after 2014 without evidence for independent evaluation. One laboratory classified the variant as pathogenic/likely pathogenic, and one laboratory classified the variant as uncertain significance. Based on the evidence outlined above, the variant was classified as uncertain significance.

Molecular Diagnostics Laboratory, M Health Fairview: University of Minnesota
Classification: Likely pathogenic for Autosomal recessive Alport syndrome. Last evaluated: 2018-01-23. Review status: criteria provided, single submitter. Criteria: ACMG Guidelines, 2015. Collection method: clinical testing. Allele origin: germline. Affected: yes. Observed: 1 variant allele.

Literature cited by the submitters: PubMed 33851121 (cited by Labcorp Genetics (formerly Invitae), Labcorp and Women's Health and Genetics/Laboratory Corporation of America, LabCorp); PubMed 36938085 (cited by Labcorp Genetics (formerly Invitae), Labcorp); PubMed 27627812 (cited by Molecular Diagnostics Laboratory, M Health Fairview: University of Minnesota); PubMed 24052634 (cited by Molecular Diagnostics Laboratory, M Health Fairview: University of Minnesota).

NM_000091.5(COL4A3):c.4783G>A (p.Gly1595Arg)

Genes: COL4A3 (collagen type IV alpha 3 chain; plus strand), MFF-DT (MFF divergent transcript; minus strand). Cytogenetic location: 2q36.3.
Variant type: single nucleotide variant.
Coding change: c.4783G>A on transcript NM_000091.5 (MANE Select); coding-DNA position 4783, G replaced by A.
Protein change: p.Gly1595Arg; replaces glycine 1595 with arginine.
Molecular consequence: missense variant.
Genome position (GRCh38, 1-based): chr2:227,310,803, G>A. VCF-style: chr2-227310803-G-A. GRCh37 (hg19) VCF-style: chr2-228175519-G-A.
Other names: short protein forms G1595R.
Identifiers: ClinVar variation 623125 (VCV000623125.6), dbSNP rs766208466, ClinGen allele CA2147654.